The following is an entry in ClinVar:

NM_002439.5(MSH3):c.485T>C (p.Val162Ala)

Gene: MSH3 (mutS homolog 3; plus strand). Cytogenetic location: 5q14.1.
Variant type: single nucleotide variant.
Coding change: c.485T>C on transcript NM_002439.5 (MANE Select); coding-DNA position 485, T replaced by C.
Protein change: p.Val162Ala; replaces valine 162 with alanine.
Molecular consequence: missense variant.
Genome position (GRCh38, 1-based): chr5:80,665,269, T>C. VCF-style: chr5-80665269-T-C. GRCh37 (hg19) VCF-style: chr5-79961088-T-C.
Other names: short protein forms V162A.
Identifiers: ClinVar variation 1959820 (VCV001959820.5), dbSNP rs2546717493, ClinGen allele CA360263778.

ClinVar aggregate classification (germline): Uncertain significance (1 of 4 stars; one submission).

Submission:

Labcorp Genetics (formerly Invitae), Labcorp
Classification: Uncertain significance. Last evaluated: 2022-08-22. Review status: criteria provided, single submitter. Criteria: Invitae Variant Classification Sherloc (09022015). Collection method: clinical testing. Allele origin: germline.
Comment: In summary, the available evidence is currently insufficient to determine the role of this variant in disease. Therefore, it has been classified as a Variant of Uncertain Significance. Algorithms developed to predict the effect of missense changes on protein structure and function (SIFT, PolyPhen-2, Align-GVGD) all suggest that this variant is likely to be tolerated. This variant has not been reported in the literature in individuals affected with MSH3-related conditions. This variant is not present in population databases (gnomAD no frequency). This sequence change replaces valine, which is neutral and non-polar, with alanine, which is neutral and non-polar, at codon 162 of the MSH3 protein (p.Val162Ala).